The following is an entry in ClinVar:

NM_020800.3(IFT80):c.259+3A>C

Genes: IFT80 (intraflagellar transport 80; minus strand), TRIM59-IFT80 (TRIM59-IFT80 readthrough (NMD candidate); minus strand). Cytogenetic location: 3q25.33.
Variant type: single nucleotide variant.
Coding change: c.259+3A>C on transcript NM_020800.3 (MANE Select); 3 bases into the intron after coding-DNA position 259, A replaced by C.
Molecular consequence: intron variant.
Genome position (GRCh38, 1-based): chr3:160,381,500, T>G on the plus strand (A>C on the coding strand, the complement: IFT80 is on the minus strand). VCF-style: chr3-160381500-T-G. GRCh37 (hg19) VCF-style: chr3-160099288-T-G.
Other names: c.-153+3A>C (NM_001190241.2, NM_001190242.2).
Identifiers: ClinVar variation 5006576 (VCV005006576.2).

ClinVar aggregate classification (germline): Uncertain significance (1 of 4 stars; one submission).

Conditions:
Asphyxiating thoracic dystrophy 2 (SRTD2). Also called: SHORT-RIB THORACIC DYSPLASIA 2 WITH OR WITHOUT POLYDACTYLY; SHORT-RIB THORACIC DYSPLASIA 2 WITH POLYDACTYLY; SHORT-RIB THORACIC DYSPLASIA 2 WITHOUT POLYDACTYLY. Identifiers: Orphanet 474, MedGen C1970005, MONDO:0012644, OMIM 611263.

Submission:

Juno Genomics, Hangzhou Juno Genomics, Inc
Classification: Uncertain significance for Asphyxiating thoracic dystrophy 2. Review status: criteria provided, single submitter. Criteria: ACMG Guidelines, 2015. Collection method: clinical testing. Allele origin: germline.
Comment: Absent from controls (or at extremely low frequency if recessive) in Genome Aggregation Database.;Multiple lines of computational evidence support a deleterious effect on the gene or gene product.;For recessive disorders, detected in trans with a pathogenic variant.